The following is an entry in ClinVar:

NM_001195518.2(MICU1):c.1372C>A (p.Gln458Lys)

Gene: MICU1 (mitochondrial calcium uptake 1; minus strand). Cytogenetic location: 10q22.1.
Variant type: single nucleotide variant.
Coding change: c.1372C>A on transcript NM_001195518.2 (MANE Select); coding-DNA position 1372, C replaced by A.
Protein change: p.Gln458Lys; replaces glutamine 458 with lysine.
Molecular consequence: missense variant.
Genome position (GRCh38, 1-based): chr10:72,368,254, G>T on the plus strand (C>A on the coding strand, the complement: MICU1 is on the minus strand). VCF-style: chr10-72368254-G-T. GRCh37 (hg19) VCF-style: chr10-74128012-G-T.
Other names: c.778C>A, p.Gln260Lys (NM_001195519.2); c.1390C>A, p.Gln464Lys (NM_001363513.2); c.1378C>A, p.Gln460Lys (NM_006077.4); short protein forms Q260K, Q458K, Q464K, Q460K.
Identifiers: ClinVar variation 1961414 (VCV001961414.5), dbSNP rs367863329, ClinGen allele CA5549986.

ClinVar aggregate classification (germline): Uncertain significance (1 of 4 stars; one submission).

Allele frequency attached by ClinVar (database versions not stated): gnomAD 0.00001; ExAC 0.00002; ESP Exome Variant Server 0.00008.
gnomAD v4.1: 10 of 1,613,836 alleles (0.00062%); highest among the groups gnomAD compares: Non-Finnish European, 0.00085%; no homozygotes.

Submission:

Labcorp Genetics (formerly Invitae), Labcorp
Classification: Uncertain significance. Last evaluated: 2022-06-02. Review status: criteria provided, single submitter. Criteria: Invitae Variant Classification Sherloc (09022015). Collection method: clinical testing. Allele origin: germline.
Comment: Algorithms developed to predict the effect of missense changes on protein structure and function are either unavailable or do not agree on the potential impact of this missense change (SIFT: "Tolerated"; PolyPhen-2: "Not Available"; Align-GVGD: "Class C0"). In summary, the available evidence is currently insufficient to determine the role of this variant in disease. Therefore, it has been classified as a Variant of Uncertain Significance. This variant has not been reported in the literature in individuals affected with MICU1-related conditions. This variant is present in population databases (rs367863329, gnomAD 0.002%). This sequence change replaces glutamine, which is neutral and polar, with lysine, which is basic and polar, at codon 460 of the MICU1 protein (p.Gln460Lys).